The following is an entry in ClinVar:

NM_001256864.2(DNAJC6):c.2594A>G (p.Lys865Arg)

Gene: DNAJC6 (DnaJ heat shock protein family (Hsp40) member C6; plus strand). Cytogenetic location: 1p31.3.
Variant type: single nucleotide variant.
Coding change: c.2594A>G on transcript NM_001256864.2 (MANE Select); coding-DNA position 2594, A replaced by G.
Protein change: p.Lys865Arg; replaces lysine 865 with arginine.
Molecular consequence: missense variant.
Genome position (GRCh38, 1-based): chr1:65,408,743, A>G. VCF-style: chr1-65408743-A-G. GRCh37 (hg19) VCF-style: chr1-65874426-A-G.
Other names: c.2384A>G, p.Lys795Arg (NM_001256865.2); c.2423A>G, p.Lys808Arg (NM_014787.4); short protein forms K795R, K808R, K865R.
Identifiers: ClinVar variation 2879152 (VCV002879152.3), dbSNP rs2525354586, ClinGen allele CA340717044.

ClinVar aggregate classification (germline): Uncertain significance (1 of 4 stars; one submission).

Conditions:
Juvenile onset Parkinson disease 19A. Also called: PARK19; DNAJC6 Parkinson Disease. Identifiers: Orphanet 391411, MedGen C3809811, MONDO:0014231, OMIM 615528.

Allele frequency attached by ClinVar (database versions not stated): gnomAD exomes below 0.00001.
gnomAD v4.1: 1 of 1,614,086 alleles (0.000062%); highest among the groups gnomAD compares: Non-Finnish European, 0.000085%; no homozygotes.

Submission:

Labcorp Genetics (formerly Invitae), Labcorp
Classification: Uncertain significance for Juvenile onset Parkinson disease 19A. Last evaluated: 2023-08-16. Review status: criteria provided, single submitter. Criteria: Invitae Variant Classification Sherloc (09022015). Collection method: clinical testing. Allele origin: germline.
Comment: In summary, the available evidence is currently insufficient to determine the role of this variant in disease. Therefore, it has been classified as a Variant of Uncertain Significance. An algorithm developed to predict the effect of missense changes on protein structure and function (PolyPhen-2) suggests that this variant is likely to be disruptive. This variant has not been reported in the literature in individuals affected with DNAJC6-related conditions. This variant is not present in population databases (gnomAD no frequency). This sequence change replaces lysine, which is basic and polar, with arginine, which is basic and polar, at codon 865 of the DNAJC6 protein (p.Lys865Arg).